The following is an entry in ClinVar:

ClinVar aggregate classification (germline): Uncertain significance (1 of 4 stars; one submission).

Submission:

Ambry Genetics
Classification: Uncertain significance. Last evaluated: 2021-08-14. Review status: criteria provided, single submitter. Criteria: Ambry Variant Classification Scheme 2023. Collection method: clinical testing. Allele origin: germline.
Comment: The p.A4073V variant (also known as c.12218C>T), located in coding exon 86 of the PRKDC gene, results from a C to T substitution at nucleotide position 12218. The alanine at codon 4073 is replaced by valine, an amino acid with similar properties. This amino acid position is conserved. Since supporting evidence is limited at this time, the clinical significance of this alteration remains unclear.

NM_006904.7(PRKDC):c.12218C>T (p.Ala4073Val)

Gene: PRKDC (protein kinase, DNA-activated, catalytic subunit; minus strand). Cytogenetic location: 8q11.21.
Variant type: single nucleotide variant.
Coding change: c.12218C>T on transcript NM_006904.7 (MANE Select); coding-DNA position 12218, C replaced by T.
Protein change: p.Ala4073Val; replaces alanine 4073 with valine.
Molecular consequence: missense variant.
Genome position (GRCh38, 1-based): chr8:47,774,342, G>A on the plus strand (C>T on the coding strand, the complement: PRKDC is on the minus strand). VCF-style: chr8-47774342-G-A. GRCh37 (hg19) VCF-style: chr8-48686903-G-A.
Other names: c.12125C>T, p.Ala4042Val (NM_001081640.2); short protein forms A4073V, A4042V.
Identifiers: ClinVar variation 1753078 (VCV001753078.2), dbSNP rs2551859159, ClinGen allele CA371126814.